The following is an entry in ClinVar:

ClinVar aggregate classification (germline): Uncertain significance (1 of 4 stars; one submission).

Conditions:
Breast-ovarian cancer, familial, susceptibility to, 4. Identifiers: Orphanet 145, MedGen C3280345, MONDO:0013669, OMIM 614291.

Submission:

Labcorp Genetics (formerly Invitae), Labcorp
Classification: Uncertain significance for Breast-ovarian cancer, familial, susceptibility to, 4. Last evaluated: 2019-02-28. Review status: criteria provided, single submitter. Criteria: Invitae Variant Classification Sherloc (09022015). Collection method: clinical testing. Allele origin: germline.
Comment: This variant, c.815_833delinsTCGGATTCTC, is a complex sequence change that results in the deletion of 7 and insertion of 4 amino acids in the RAD51D protein (p.Pro272_Leu278delinsLeuGlyPheSer). This variant is not present in population databases (ExAC no frequency). This variant has not been reported in the literature in individuals with RAD51D-related conditions. Experimental studies and prediction algorithms are not available for this variant, and the functional significance of the affected amino acid(s) is currently unknown. In summary, the available evidence is currently insufficient to determine the role of this variant in disease. Therefore, it has been classified as a Variant of Uncertain Significance.

NM_002878.4(RAD51D):c.815_833delinsTCGGATTCTC (p.Pro272_Leu278delinsLeuGlyPheSer)

Genes: RAD51D (RAD51 paralog D; minus strand), RAD51L3-RFFL (RAD51L3-RFFL readthrough; minus strand). Cytogenetic location: 17q12.
Variant type: Indel.
Coding change: c.815_833delinsTCGGATTCTC on transcript NM_002878.4 (MANE Select); coding-DNA positions 815 to 833, CCAGCACTCGGATTCTCCT replaced by TCGGATTCTC.
Protein change: p.Pro272_Leu278delinsLeuGlyPheSer.
Molecular consequence: inframe indel. On other transcripts: non-coding transcript variant (3).
Genome position (GRCh38, 1-based): chr17:35,101,271-35,101,289, AGGAGAATCCGAGTGCTGG replaced by GAGAATCCGA on the plus strand (CCAGCACTCGGATTCTCCT replaced by TCGGATTCTC on the coding strand, the reverse complement: RAD51D is on the minus strand). VCF-style: chr17-35101271-AGGAGAATCCGAGTGCTGG-GAGAATCCGA. GRCh37 (hg19) VCF-style: chr17-33428290-AGGAGAATCCGAGTGCTGG-GAGAATCCGA.
Other names: c.875_893delinsTCGGATTCTC, p.Pro292_Leu298delinsLeuGlyPheSer (NM_001142571.2); c.479_497delinsTCGGATTCTC, p.Pro160_Leu166delinsLeuGlyPheSer (NM_133629.3).
Identifiers: ClinVar variation 964911 (VCV000964911.4), dbSNP rs2091533572, ClinGen allele CA1139665493.
Genomic context (GRCh38, chr17:35,101,271, plus strand): 5'-GATTTGGCCAGACACGCCATGCGCCGGCCGCCTGATGCTCCTGCTCCCTCGATGGTGTCC[AGGAGAATCCGAGTGCTGG>GAGAATCCGA]GCACAAAGCTCCAGGAGCGTCCGAGGGCAGGTTTGAGCCTCCCGCTGTCCCTGTCTCGAG-3'